The following is an entry in ClinVar:

NM_001010874.5(TECRL):c.268C>A (p.Gln90Lys)

Gene: TECRL (trans-2,3-enoyl-CoA reductase like; minus strand). Cytogenetic location: 4q13.1.
Variant type: single nucleotide variant.
Coding change: c.268C>A on transcript NM_001010874.5 (MANE Select); coding-DNA position 268, C replaced by A.
Protein change: p.Gln90Lys; replaces glutamine 90 with lysine.
Molecular consequence: missense variant.
Genome position (GRCh38, 1-based): chr4:64,375,190, G>T on the plus strand (C>A on the coding strand, the complement: TECRL is on the minus strand). VCF-style: chr4-64375190-G-T. GRCh37 (hg19) VCF-style: chr4-65240908-G-T.
Other names: c.268C>A, p.Gln90Lys (NM_001363796.1); short protein forms Q90K.
Identifiers: ClinVar variation 1216645 (VCV001216645.3), dbSNP rs2109679944, ClinGen allele CA357150287.
Genomic context (GRCh38, chr4:64,375,190, plus strand): 5'-AAAACATTATGATGTAAATTCTAAATAATATATAAAACTTACATGCTTTGTGAAACTTTT[G>T]CTTAACATCATGAATAGTAGATGATTGTGTCACCTGAAAAGGAAAAGAAAATAGAGTTAT-3'
Protein context (NP_001010874.2, residues 80-100): TQSSTIHDVK[Gln90Lys]KFHKACPKWY

ClinVar aggregate classification (germline): Uncertain significance (1 of 4 stars; one submission).

Allele frequency attached by ClinVar (database versions not stated): gnomAD exomes below 0.00001.
gnomAD v4.1: 1 of 1,396,060 alleles (0.000072%); highest among the groups gnomAD compares: Non-Finnish European, 0.000095%; no homozygotes.

Submission:

GeneDx
Classification: Uncertain significance. Last evaluated: 2020-01-03. Review status: criteria provided, single submitter. Criteria: GeneDx Variant Classification Process June 2021. Collection method: clinical testing. Allele origin: germline. Affected: yes.
Comment: Not observed in large population cohorts (Lek et al., 2016); In silico analysis, which includes protein predictors and evolutionary conservation, supports that this variant does not alter protein structure/function; Has not been previously published as pathogenic or benign to our knowledge